The following is an entry in ClinVar:

ClinVar aggregate classification (germline): Uncertain significance. Review status: criteria provided, multiple submitters, no conflicts (2 of 4 stars). 2 submissions from 2 submitters: Uncertain significance (2). Last evaluated 2023-10-13.

Conditions:
Cardiovascular phenotype. Identifiers: MedGen CN230736.
Dilated cardiomyopathy 1JJ (CMD1JJ). Identifiers: Orphanet 154, MedGen C3808935, MONDO:0014095, OMIM 615235.

Allele frequency attached by ClinVar (database versions not stated): TOPMed below 0.00001; gnomAD 0.00001.

Submissions (2):

Labcorp Genetics (formerly Invitae), Labcorp
Classification: Uncertain significance for Dilated cardiomyopathy 1JJ. Last evaluated: 2023-10-13. Review status: criteria provided, single submitter. Criteria: Invitae Variant Classification Sherloc (09022015). Collection method: clinical testing. Allele origin: germline.
Comment: This sequence change replaces tyrosine, which is neutral and polar, with cysteine, which is neutral and slightly polar, at codon 1268 of the LAMA4 protein (p.Tyr1268Cys). This variant is present in population databases (no rsID available, gnomAD 0.007%). This variant has not been reported in the literature in individuals affected with LAMA4-related conditions. ClinVar contains an entry for this variant (Variation ID: 1735084). An algorithm developed to predict the effect of missense changes on protein structure and function (PolyPhen-2) suggests that this variant is likely to be tolerated. In summary, the available evidence is currently insufficient to determine the role of this variant in disease. Therefore, it has been classified as a Variant of Uncertain Significance.

Ambry Genetics
Classification: Uncertain significance for Cardiovascular phenotype. Last evaluated: 2022-08-07. Review status: criteria provided, single submitter. Criteria: Ambry Variant Classification Scheme 2023. Collection method: clinical testing. Allele origin: germline.
Comment: The p.Y1268C variant (also known as c.3803A>G), located in coding exon 27 of the LAMA4 gene, results from an A to G substitution at nucleotide position 3803. The tyrosine at codon 1268 is replaced by cysteine, an amino acid with highly dissimilar properties. This amino acid position is conserved. In addition, the in silico prediction for this alteration is inconclusive. Since supporting evidence is limited at this time, the clinical significance of this alteration remains unclear.

NM_001105206.3(LAMA4):c.3824A>G (p.Tyr1275Cys)

Gene: LAMA4 (laminin subunit alpha 4; minus strand). Cytogenetic location: 6q21.
Variant type: single nucleotide variant.
Coding change: c.3824A>G on transcript NM_001105206.3 (MANE Select); coding-DNA position 3824, A replaced by G.
Protein change: p.Tyr1275Cys; replaces tyrosine 1275 with cysteine.
Molecular consequence: missense variant.
Genome position (GRCh38, 1-based): chr6:112,132,763, T>C on the plus strand (A>G on the coding strand, the complement: LAMA4 is on the minus strand). VCF-style: chr6-112132763-T-C. GRCh37 (hg19) VCF-style: chr6-112453965-T-C.
Other names: c.3803A>G, p.Tyr1268Cys (NM_001105207.3, NM_002290.5); short protein forms Y1268C, Y1275C.
Identifiers: ClinVar variation 1735084 (VCV001735084.5), dbSNP rs782571319, ClinGen allele CA365374594.
Genomic context (GRCh38, chr6:112,132,763, plus strand): 5'-GCAAAACAATTATCACAAAGAAGTTTCCTCAGAGAAAAACAAACACTTACCCCTGAAGCA[T>C]AATAGAATAGTAACCCATTTGGTTGTAATGTTCGGAAATTAAAACCTCCTTCAAAGCCAT-3'
Protein context (NP_001098676.2, residues 1265-1285): TLQPNGLLFY[Tyr1275Cys]ASGSDVFSIS